The following is an entry in ClinVar:

ClinVar aggregate classification (germline): Likely benign (1 of 4 stars; one submission).

gnomAD v4.1: 140 of 1,611,216 alleles (0.0087%); highest among the groups gnomAD compares: East Asian, 0.18%; 2 homozygotes.

Submission:

CeGaT Center for Human Genetics Tuebingen
Classification: Likely benign. Last evaluated: 2025-06-01. Review status: criteria provided, single submitter. Criteria: CeGaT Center For Human Genetics Tuebingen Variant Classification Criteria Version 2. Collection method: clinical testing. Allele origin: germline. Affected: yes. Observed: 1 variant allele.
Comment: ATP9A: BP4, BP7

NM_006045.3(ATP9A):c.342C>A (p.Ala114=)

Gene: ATP9A (ATPase phospholipid transporting 9A; minus strand). Cytogenetic location: 20q13.2.
Variant type: single nucleotide variant.
Coding change: c.342C>A on transcript NM_006045.3 (MANE Select); coding-DNA position 342, C replaced by A.
Protein change: p.Ala114=; no amino-acid change (alanine 114 retained).
Molecular consequence: synonymous variant.
Genome position (GRCh38, 1-based): chr20:51,713,060, G>T on the plus strand (C>A on the coding strand, the complement: ATP9A is on the minus strand). VCF-style: chr20-51713060-G-T. GRCh37 (hg19) VCF-style: chr20-50329599-G-T.
Identifiers: ClinVar variation 4084101 (VCV004084101.8).